The following is an entry in ClinVar:

NM_024675.4(PALB2):c.-1G>C

Gene: PALB2 (partner and localizer of BRCA2; minus strand). Cytogenetic location: 16p12.2.
Variant type: single nucleotide variant.
Coding change: c.-1G>C on transcript NM_024675.4 (MANE Select); 1 bases upstream of the start codon, G replaced by C.
Molecular consequence: 5 prime UTR variant.
Genome position (GRCh38, 1-based): chr16:23,641,158, C>G on the plus strand (G>C on the coding strand, the complement: PALB2 is on the minus strand). VCF-style: chr16-23641158-C-G. GRCh37 (hg19) VCF-style: chr16-23652479-C-G.
Other names: c.-1G>C (NM_001407296.1, NM_001407297.1, NM_001407298.1 and 5 more transcripts); c.-1744G>C (NM_001407304.1, NM_001407310.1); c.-1020G>C (NM_001407305.1, NM_001407307.1, NM_001407309.1 and 1 more transcripts); c.-869G>C (NM_001407306.1, NM_001407308.1); c.-153G>C (NM_001407312.1, NM_001407313.1).
Identifiers: ClinVar variation 668267 (VCV000668267.5), dbSNP rs1341292125, ClinGen allele CA915949148.

ClinVar aggregate classification (germline): Conflicting classifications of pathogenicity. Review status: criteria provided, conflicting classifications (1 of 4 stars). 3 submissions from 3 submitters: Uncertain significance (2); Likely benign (1). Last evaluated 2025-06-06.

Conditions:
Hereditary cancer-predisposing syndrome. Also called: Tumor predisposition; Hereditary neoplastic syndrome; Neoplastic Syndromes, Hereditary; Hereditary Cancer Syndrome. Identifiers: Orphanet 140162, MedGen C0027672, MeSH D009386, MONDO:0015356.

gnomAD v4.1: 2 of 1,612,686 alleles (0.00012%); highest among the groups gnomAD compares: African/African-American, 0.0013%; no homozygotes.

Submissions (3):

Women's Health and Genetics/Laboratory Corporation of America, LabCorp
Classification: Uncertain significance. Last evaluated: 2025-06-06. Review status: criteria provided, single submitter. Criteria: LabCorp Variant Classification Summary - May 2015. Collection method: clinical testing. Allele origin: germline.

Ambry Genetics
Classification: Uncertain significance for Hereditary cancer-predisposing syndrome. Last evaluated: 2024-02-14. Review status: criteria provided, single submitter. Criteria: Ambry Variant Classification Scheme 2023. Collection method: clinical testing. Allele origin: germline.
Comment: The c.-1G>C variant is located in the 5' untranslated region (5&rsquo; UTR) of the PALB2 gene. This variant results from a G to C substitution 1 base upstream from the first translated codon. This nucleotide position is not well conserved in available vertebrate species. Based on the available evidence, the clinical significance of this alteration remains unclear.

GeneDx
Classification: Likely benign. Last evaluated: 2019-10-15. Review status: criteria provided, single submitter. Criteria: GeneDx Variant Classification Process June 2021. Collection method: clinical testing. Allele origin: germline. Affected: yes.